The following is an entry in ClinVar:

ClinVar aggregate classification (germline): Uncertain significance (1 of 4 stars; one submission).

Conditions:
Fanconi anemia (FA). Also called: Fanconi's anemia. Identifiers: Orphanet 84, MedGen C0015625, MeSH D005199, MONDO:0019391.

gnomAD v4.1: 2 of 1,524,044 alleles (0.00013%); highest among the groups gnomAD compares: Non-Finnish European, 0.00017%; no homozygotes.

Submission:

Labcorp Genetics (formerly Invitae), Labcorp
Classification: Uncertain significance for Fanconi anemia. Last evaluated: 2022-07-19. Review status: criteria provided, single submitter. Criteria: Invitae Variant Classification Sherloc (09022015). Collection method: clinical testing. Allele origin: germline.
Comment: In summary, the available evidence is currently insufficient to determine the role of this variant in disease. Therefore, it has been classified as a Variant of Uncertain Significance. Advanced modeling of protein sequence and biophysical properties (such as structural, functional, and spatial information, amino acid conservation, physicochemical variation, residue mobility, and thermodynamic stability) performed at Invitae indicates that this missense variant is not expected to disrupt FANCA protein function. ClinVar contains an entry for this variant (Variation ID: 1438401). This variant has not been reported in the literature in individuals affected with FANCA-related conditions. This variant is not present in population databases (gnomAD no frequency). This sequence change replaces aspartic acid, which is acidic and polar, with glutamic acid, which is acidic and polar, at codon 14 of the FANCA protein (p.Asp14Glu).

NM_000135.4(FANCA):c.42C>G (p.Asp14Glu)

Genes: FANCA (FA complementation group A; minus strand), LOC112486223 (Sharpr-MPRA regulatory region 3988; plus strand). Cytogenetic location: 16q24.3.
Variant type: single nucleotide variant.
Coding change: c.42C>G on transcript NM_000135.4 (MANE Select); coding-DNA position 42, C replaced by G.
Protein change: p.Asp14Glu; replaces aspartic acid 14 with glutamic acid.
Molecular consequence: missense variant.
Genome position (GRCh38, 1-based): chr16:89,816,574, G>C on the plus strand (C>G on the coding strand, the complement: FANCA is on the minus strand). VCF-style: chr16-89816574-G-C. GRCh37 (hg19) VCF-style: chr16-89882982-G-C.
Other names: c.42C>G, p.Asp14Glu (NM_001018112.3, NM_001286167.3, NM_001351830.2); short protein forms D14E.
Identifiers: ClinVar variation 1438401 (VCV001438401.6), dbSNP rs750021837, ClinGen allele CA286612760.